The following is an entry in ClinVar:

NM_000138.5(FBN1):c.7579G>A (p.Glu2527Lys)

Gene: FBN1 (fibrillin 1; minus strand). Cytogenetic location: 15q21.1.
Variant type: single nucleotide variant.
Coding change: c.7579G>A on transcript NM_000138.5 (MANE Select); coding-DNA position 7579, G replaced by A.
Protein change: p.Glu2527Lys; replaces glutamic acid 2527 with lysine.
Molecular consequence: missense variant.
Genome position (GRCh38, 1-based): chr15:48,421,678, C>T on the plus strand (G>A on the coding strand, the complement: FBN1 is on the minus strand). VCF-style: chr15-48421678-C-T. GRCh37 (hg19) VCF-style: chr15-48713875-C-T.
Other names: c.7579G>A, p.Glu2527Lys (NM_001406716.1); short protein forms E2527K.
Identifiers: ClinVar variation 3513531 (VCV003513531.2).
Genomic context (GRCh38, chr15:48,421,678, plus strand): 5'-TTCCAGGAGTGTTCTGGCAAATGCCCTTAGACCCGCACAGATTGATGTCAGAGGTGCATT[C>T]ATTGTTATCTATGAGAAGCAGTGGGGGCAAAGAGGGGTTAAAATTCCCCAAAGCTCTCTT-3'
Protein context (NP_000129.3, residues 2517-2537): QHHTSCIDNN[Glu2527Lys]CTSDINLCGS

ClinVar aggregate classification (germline): Uncertain significance. Review status: criteria provided, multiple submitters, no conflicts (2 of 4 stars). 2 submissions from 2 submitters: Uncertain significance (2). Last evaluated 2025-06-06.

Conditions:
Familial thoracic aortic aneurysm and aortic dissection (TAAD). Also called: Thoracic aortic aneurysms and dissections. Identifiers: Orphanet 91387, MedGen C4707243, MONDO:0019625.

Submissions (2):

GeneDx
Classification: Uncertain significance. Last evaluated: 2025-06-06. Review status: criteria provided, single submitter. Criteria: GeneDx Variant Classification Process June 2021. Collection method: clinical testing. Allele origin: germline. Affected: yes.
Comment: Not observed at significant frequency in large population cohorts (gnomAD); In silico analysis supports that this missense variant has a deleterious effect on protein structure/function; Has not been previously published as pathogenic or benign to our knowledge; This variant is associated with the following publications: (PMID: 20591885)

Ambry Genetics
Classification: Uncertain significance for Familial thoracic aortic aneurysm and aortic dissection. Last evaluated: 2024-07-29. Review status: criteria provided, single submitter. Criteria: Ambry Variant Classification Scheme 2023. Collection method: clinical testing. Allele origin: germline.
Comment: The p.E2527K variant (also known as c.7579G>A), located in coding exon 61 of the FBN1 gene, results from a G to A substitution at nucleotide position 7579. The glutamic acid at codon 2527 is replaced by lysine, an amino acid with similar properties. This variant alters a conserved residue in the calcium-binding consensus sequence of a cbEGF domain and is expected to disrupt FBN1 function (Handford PA et al. Nature. 1991; 351(6322):164-7). This amino acid position is highly conserved in available vertebrate species. In addition, this alteration is predicted to be deleterious by in silico analysis. Based on the available evidence, the clinical significance of this variant remains unclear.